The following is an entry in ClinVar:

NM_002226.5(JAG2):c.2850C>T (p.Gly950=)

Gene: JAG2 (jagged canonical Notch ligand 2; minus strand). Cytogenetic location: 14q32.33.
Variant type: single nucleotide variant.
Coding change: c.2850C>T on transcript NM_002226.5 (MANE Select); coding-DNA position 2850, C replaced by T.
Protein change: p.Gly950=; no amino-acid change (glycine 950 retained).
Molecular consequence: synonymous variant.
Genome position (GRCh38, 1-based): chr14:105,145,833, G>A on the plus strand (C>T on the coding strand, the complement: JAG2 is on the minus strand). VCF-style: chr14-105145833-G-A. GRCh37 (hg19) VCF-style: chr14-105612170-G-A.
Other names: c.2736C>T, p.Gly912= (NM_145159.3).
Identifiers: ClinVar variation 741228 (VCV000741228.13), dbSNP rs587669888, ClinGen allele CA7385428.

ClinVar aggregate classification (germline): Likely benign. Review status: criteria provided, multiple submitters, no conflicts (2 of 4 stars). 4 submissions from 4 submitters: Likely benign (3). 1 of the submissions does not count toward it. Last evaluated 2025-04-01.

Conditions:
JAG2-related disorder. Also called: JAG2-related condition.

Allele frequency attached by ClinVar (database versions not stated): TOPMed 0.00003; gnomAD 0.00005 and 0.00006; gnomAD exomes 0.00005 and 0.00008; ExAC 0.00008; 1000 Genomes Project 30x 0.00016; 1000 Genomes Project 0.00020.
gnomAD v4.1: 133 of 1,562,872 alleles (0.0085%); highest among the groups gnomAD compares: Middle Eastern, 0.084%; 5 homozygotes.

Submissions (4):

CeGaT Center for Human Genetics Tuebingen
Classification: Likely benign. Last evaluated: 2025-04-01. Review status: criteria provided, single submitter. Criteria: CeGaT Center For Human Genetics Tuebingen Variant Classification Criteria Version 2. Collection method: clinical testing. Allele origin: germline. Affected: yes. Observed: 1 variant allele.
Comment: JAG2: BP4, BP7

Blueprint Genetics
Classification: Likely benign. Last evaluated: 2024-10-08. Review status: criteria provided, single submitter. Criteria: ACMG Guidelines, 2015. Collection method: clinical testing. Allele origin: germline.

Labcorp Genetics (formerly Invitae), Labcorp
Classification: Likely benign. Last evaluated: 2018-05-18. Review status: criteria provided, single submitter. Criteria: Invitae Variant Classification Sherloc (09022015). Collection method: clinical testing. Allele origin: germline.

PreventionGenetics, part of Exact Sciences
Classification: Likely benign for JAG2-related condition. Last evaluated: 2019-09-17. Review status: no assertion criteria provided. Collection method: clinical testing. Allele origin: germline. Not counted in ClinVar's aggregate classification.
Comment: This variant is classified as likely benign based on ACMG/AMP sequence variant interpretation guidelines (Richards et al. 2015 PMID: 25741868, with internal and published modifications).